The following is an entry in ClinVar:

ClinVar aggregate classification (germline): Pathogenic (1 of 4 stars; one submission).

Submission:

Labcorp Genetics (formerly Invitae), Labcorp
Classification: Pathogenic. Last evaluated: 2022-08-23. Review status: criteria provided, single submitter. Criteria: Invitae Variant Classification Sherloc (09022015). Collection method: clinical testing. Allele origin: germline.
Comment: This sequence change creates a premature translational stop signal (p.Thr120Glufs*2) in the COL9A1 gene. It is expected to result in an absent or disrupted protein product. Loss-of-function variants in COL9A1 are known to be pathogenic (PMID: 16909383, 21421862). This variant is not present in population databases (gnomAD no frequency). This variant has not been reported in the literature in individuals affected with COL9A1-related conditions. For these reasons, this variant has been classified as Pathogenic.

Literature cited by the submitters: PubMed 16909383; PubMed 21421862.

NM_001851.6(COL9A1):c.353_357dup (p.Thr120delinsGluTer)

Gene: COL9A1 (collagen type IX alpha 1 chain; minus strand). Cytogenetic location: 6q13.
Variant type: Duplication.
Coding change: c.353_357dup on transcript NM_001851.6 (MANE Select); coding-DNA positions 353 to 357, 5 bases duplicated (GAATG; older notation c.353_357dupGAATG).
Protein change: p.Thr120delinsGluTer.
Molecular consequence: nonsense.
Genome position (GRCh38, 1-based): chr6:70,294,506-70,294,510, CATTC duplicated on the plus strand (GAATG on the coding strand, the reverse complement: COL9A1 is on the minus strand). VCF-style (leftmost placement, unchanged base first): chr6-70294505-T-TCATTC. GRCh37 (hg19) VCF-style: chr6-71004208-T-TCATTC.
Other names: c.353_357dup, p.Thr120delinsGluTer (NM_001377291.1).
Identifiers: ClinVar variation 2026590 (VCV002026590.4), dbSNP rs2483500296, ClinGen allele CA2580075721.